The following is an entry in ClinVar:

ClinVar aggregate classification (germline): Pathogenic. Review status: criteria provided, multiple submitters, no conflicts (2 of 4 stars). 2 submissions from 2 submitters: Pathogenic (2). Last evaluated 2025-10-30.

Conditions:
Inborn genetic diseases. Identifiers: MedGen C0950123, MeSH D030342.

Submissions (2):

Ambry Genetics
Classification: Pathogenic for Inborn genetic diseases. Last evaluated: 2025-10-30. Review status: criteria provided, single submitter. Criteria: Ambry Variant Classification Scheme 2023. Collection method: clinical testing. Allele origin: germline.
Comment: The c.1729_1733delGAAGA (p.E577Kfs*14) alteration, located in exon 16 (coding exon 14) of the KMT2E gene, consists of a deletion of 5 nucleotides from position 1729 to 1733, causing a translational frameshift with a predicted alternate stop codon after 14 amino acids. This alteration is expected to result in loss of function by premature protein truncation or nonsense-mediated mRNA decay. This variant was not reported in population-based cohorts in the Genome Aggregation Database (gnomAD). Based on the available evidence, this alteration is classified as pathogenic.

CeGaT Center for Human Genetics Tuebingen
Classification: Pathogenic. Last evaluated: 2022-12-01. Review status: criteria provided, single submitter. Criteria: CeGaT Center For Human Genetics Tuebingen Variant Classification Criteria Version 2. Collection method: clinical testing. Allele origin: germline. Affected: yes. Observed: 1 variant allele.
Comment: KMT2E: PVS1, PS2, PM2

NM_182931.3(KMT2E):c.1729_1733del (p.Glu577fs)

Gene: KMT2E (lysine methyltransferase 2E (inactive); plus strand). Cytogenetic location: 7q22.3.
Variant type: Deletion.
Coding change: c.1729_1733del on transcript NM_182931.3 (MANE Select); coding-DNA positions 1729 to 1733, 5 bases deleted (GAAGA; older notation c.1729_1733delGAAGA).
Protein change: p.Glu577fs; shifts the reading frame from glutamic acid 577.
Molecular consequence: frameshift variant.
Genome position (GRCh38, 1-based): chr7:105,101,431-105,101,435, GAAGA deleted; deleting any 5 consecutive bases within chr7:105,101,427-105,101,435 gives the same sequence; the c. name uses the placement nearest the transcript's 3' end. VCF-style (leftmost placement, unchanged base first): chr7-105101426-CAAGAG-C. GRCh37 (hg19) VCF-style: chr7-104741873-CAAGAG-C.
Other names: c.1729_1733delGAAGA (NM_182931.2); c.1729_1733delGAAGA, p.Glu577Lysfs (NM_001410908.1); c.1729_1733del, p.Glu577fs (NM_018682.4); short protein forms E577fs.
Identifiers: ClinVar variation 1879699 (VCV001879699.29), dbSNP rs2536490639, ClinGen allele CA2580076091.